The following is an entry in ClinVar:

ClinVar aggregate classification (germline): Uncertain significance (1 of 4 stars; one submission).

Conditions:
Bloom syndrome (BLM). Also called: Bloom-Torre-Machacek syndrome. Identifiers: Orphanet 125, MedGen C0005859, MONDO:0008876, OMIM 210900.

Submission:

Labcorp Genetics (formerly Invitae), Labcorp
Classification: Uncertain significance for Bloom syndrome. Last evaluated: 2023-03-09. Review status: criteria provided, single submitter. Criteria: Invitae Variant Classification Sherloc (09022015). Collection method: clinical testing. Allele origin: germline.
Comment: This variant has not been reported in the literature in individuals affected with BLM-related conditions. In summary, the available evidence is currently insufficient to determine the role of this variant in disease. Therefore, it has been classified as a Variant of Uncertain Significance. Advanced modeling of protein sequence and biophysical properties (such as structural, functional, and spatial information, amino acid conservation, physicochemical variation, residue mobility, and thermodynamic stability) performed at Invitae indicates that this missense variant is not expected to disrupt BLM protein function. ClinVar contains an entry for this variant (Variation ID: 570198). This variant is not present in population databases (gnomAD no frequency). This sequence change replaces histidine, which is basic and polar, with glutamine, which is neutral and polar, at codon 281 of the BLM protein (p.His281Gln).

NM_000057.4(BLM):c.843T>G (p.His281Gln)

Gene: BLM (BLM RecQ like helicase; plus strand). Cytogenetic location: 15q26.1.
Variant type: single nucleotide variant.
Coding change: c.843T>G on transcript NM_000057.4 (MANE Select); coding-DNA position 843, T replaced by G.
Protein change: p.His281Gln; replaces histidine 281 with glutamine.
Molecular consequence: missense variant. On other transcripts: 5 prime UTR variant (1).
Genome position (GRCh38, 1-based): chr15:90,751,830, T>G. VCF-style: chr15-90751830-T-G. GRCh37 (hg19) VCF-style: chr15-91295060-T-G.
Other names: c.843T>G, p.His281Gln (NM_001287246.2, NM_001287247.2); c.-449T>G (NM_001287248.2); short protein forms H281Q.
Identifiers: ClinVar variation 570198 (VCV000570198.9), dbSNP rs1567036601, ClinGen allele CA393841711.